The following is an entry in ClinVar:

NM_001378454.1(ALMS1):c.1451G>T (p.Gly484Val)

Gene: ALMS1 (ALMS1 centrosome and basal body associated protein; plus strand). Cytogenetic location: 2p13.1.
Variant type: single nucleotide variant.
Coding change: c.1451G>T on transcript NM_001378454.1 (MANE Select); coding-DNA position 1451, G replaced by T.
Protein change: p.Gly484Val; replaces glycine 484 with valine.
Molecular consequence: missense variant.
Genome position (GRCh38, 1-based): chr2:73,447,978, G>T. VCF-style: chr2-73447978-G-T. GRCh37 (hg19) VCF-style: chr2-73675108-G-T.
Other names: c.1454G>T, p.Gly485Val (NM_015120.4); short protein forms G485V, G484V.
Identifiers: ClinVar variation 2585576 (VCV002585576.1), dbSNP rs374663067, ClinGen allele CA1713177.

ClinVar aggregate classification (germline): Uncertain significance (1 of 4 stars; one submission).

Conditions:
Alstrom syndrome (ALMS). Identifiers: Orphanet 64, MedGen C0268425, MONDO:0008763, OMIM 203800.

gnomAD v4.1: 16 of 1,611,808 alleles (0.00099%); highest among the groups gnomAD compares: Non-Finnish European, 0.0014%; no homozygotes.

Submission:

Neuberg Centre For Genomic Medicine, NCGM
Classification: Uncertain significance for Alstrom syndrome. Review status: criteria provided, single submitter. Criteria: ACMG Guidelines, 2015. Collection method: clinical testing. Allele origin: germline. Inheritance: Autosomal recessive inheritance. Affected: yes.
Comment: The missense variant in c.1451G>T (p.Gly484Val) in ALMS1 gene has not been reported previously as a pathogenic variant nor as a benign variant, to our knowledge. The p.Gly484Val variant is reported with the allele frequency of 0.0004030% in gnomAD Exome and is novel (not in any individuals) in 1000 Genomes. The amino acid Gly at position 484 is changed to a Val changing protein sequence and it might alter its composition and physico-chemical properties. The amino acid change p.Gly484Val in ALMS1 is predicted as conserved by PhyloP across 100 vertebrates. For these reasons, this variant has been classified as Uncertain Significance